The following is an entry in ClinVar:

NM_001999.4(FBN2):c.8383G>A (p.Glu2795Lys)

Gene: FBN2 (fibrillin 2; minus strand). Cytogenetic location: 5q23.3.
Variant type: single nucleotide variant.
Coding change: c.8383G>A on transcript NM_001999.4 (MANE Select); coding-DNA position 8383, G replaced by A.
Protein change: p.Glu2795Lys; replaces glutamic acid 2795 with lysine.
Molecular consequence: missense variant.
Genome position (GRCh38, 1-based): chr5:128,259,811, C>T on the plus strand (G>A on the coding strand, the complement: FBN2 is on the minus strand). VCF-style: chr5-128259811-C-T. GRCh37 (hg19) VCF-style: chr5-127595503-C-T.
Other names: short protein forms E2795K.
Identifiers: ClinVar variation 2116362 (VCV002116362.4), dbSNP rs2479601219, ClinGen allele CA360746074.

ClinVar aggregate classification (germline): Uncertain significance (1 of 4 stars; one submission).

Conditions:
Congenital contractural arachnodactyly (CCA). Also called: BEALS SYNDROME; Arthrogryposis, distal, type 9; Beals-Hecht syndrome. Identifiers: Orphanet 115, MedGen C0220668, MONDO:0007363, OMIM 121050.

Submission:

Labcorp Genetics (formerly Invitae), Labcorp
Classification: Uncertain significance for Congenital contractural arachnodactyly. Last evaluated: 2022-03-23. Review status: criteria provided, single submitter. Criteria: Invitae Variant Classification Sherloc (09022015). Collection method: clinical testing. Allele origin: germline.
Comment: In summary, the available evidence is currently insufficient to determine the role of this variant in disease. Therefore, it has been classified as a Variant of Uncertain Significance. Advanced modeling of protein sequence and biophysical properties (such as structural, functional, and spatial information, amino acid conservation, physicochemical variation, residue mobility, and thermodynamic stability) performed at Invitae indicates that this missense variant is not expected to disrupt FBN2 protein function. This variant has not been reported in the literature in individuals affected with FBN2-related conditions. This variant is not present in population databases (gnomAD no frequency). This sequence change replaces glutamic acid, which is acidic and polar, with lysine, which is basic and polar, at codon 2795 of the FBN2 protein (p.Glu2795Lys).